The following is an entry in ClinVar:

ClinVar aggregate classification (germline): Uncertain significance (1 of 4 stars; one submission).

Allele frequency attached by ClinVar (database versions not stated): gnomAD exomes below 0.00001; gnomAD 0.00001; ExAC 0.00002; TOPMed 0.00002; ESP Exome Variant Server 0.00008.

Submission:

Ambry Genetics
Classification: Uncertain significance. Last evaluated: 2023-10-28. Review status: criteria provided, single submitter. Criteria: Ambry Variant Classification Scheme 2023. Collection method: clinical testing. Allele origin: germline.
Comment: The p.G162D variant (also known as c.485G>A), located in coding exon 6 of the NPAT gene, results from a G to A substitution at nucleotide position 485. The glycine at codon 162 is replaced by aspartic acid, an amino acid with similar properties. This amino acid position is conserved. In addition, this alteration is predicted to be tolerated by in silico analysis. Since supporting evidence is limited at this time, the clinical significance of this alteration remains unclear.

NM_002519.3(NPAT):c.485G>A (p.Gly162Asp)

Gene: NPAT (nuclear protein, coactivator of histone transcription; minus strand). Cytogenetic location: 11q22.3.
Variant type: single nucleotide variant.
Coding change: c.485G>A on transcript NM_002519.3 (MANE Select); coding-DNA position 485, G replaced by A.
Protein change: p.Gly162Asp; replaces glycine 162 with aspartic acid.
Molecular consequence: missense variant.
Genome position (GRCh38, 1-based): chr11:108,189,177, C>T on the plus strand (G>A on the coding strand, the complement: NPAT is on the minus strand). VCF-style: chr11-108189177-C-T. GRCh37 (hg19) VCF-style: chr11-108059904-C-T.
Other names: c.485G>A, p.Gly162Asp (NM_001321307.1); short protein forms G162D.
Identifiers: ClinVar variation 1743627 (VCV001743627.2), dbSNP rs377176253, ClinGen allele CA6264284.
Genomic context (GRCh38, chr11:108,189,177, plus strand): 5'-TCTTGTGACTGTGAGTGGTTGACCACTACAAAATATGACCTCGATGGATCTGAAATTTGG[C>T]CACTTGGTCGAGTAACCTGTGTACCTGTGGAAGGAGGAGTGGTAAACTGTCCTGAAAGGT-3'
Protein context (NP_002510.2, residues 152-172): STGTQVTRPS[Gly162Asp]QISDPSRSYF